The following is an entry in ClinVar:

ClinVar aggregate classification (germline): Uncertain significance (1 of 4 stars; one submission).

Conditions:
Arginase deficiency. Also called: ARGININEMIA; ARG1 DEFICIENCY; Arginase 1 Deficiency. Identifiers: Orphanet 90, MedGen C0268548, MONDO:0008814, OMIM 207800.

gnomAD v4.1: 25 of 1,614,084 alleles (0.0015%); highest among the groups gnomAD compares: Non-Finnish European, 0.0021%; no homozygotes.

Submission:

Labcorp Genetics (formerly Invitae), Labcorp
Classification: Uncertain significance for Arginase deficiency. Last evaluated: 2021-12-31. Review status: criteria provided, single submitter. Criteria: Invitae Variant Classification Sherloc (09022015). Collection method: clinical testing. Allele origin: germline.
Comment: This sequence change replaces serine, which is neutral and polar, with glycine, which is neutral and non-polar, at codon 2 of the ARG1 protein (p.Ser2Gly). This variant is not present in population databases (gnomAD no frequency). This variant has not been reported in the literature in individuals affected with ARG1-related conditions. Algorithms developed to predict the effect of missense changes on protein structure and function (SIFT, PolyPhen-2, Align-GVGD) all suggest that this variant is likely to be tolerated. In summary, the available evidence is currently insufficient to determine the role of this variant in disease. Therefore, it has been classified as a Variant of Uncertain Significance.

NM_000045.4(ARG1):c.4A>G (p.Ser2Gly)

Gene: ARG1 (arginase 1; plus strand). Cytogenetic location: 6q23.2.
Variant type: single nucleotide variant.
Coding change: c.4A>G on transcript NM_000045.4 (MANE Select); coding-DNA position 4, A replaced by G.
Protein change: p.Ser2Gly; replaces serine 2 with glycine.
Molecular consequence: missense variant. On other transcripts: non-coding transcript variant (1).
Genome position (GRCh38, 1-based): chr6:131,573,286, A>G. VCF-style: chr6-131573286-A-G. GRCh37 (hg19) VCF-style: chr6-131894426-A-G.
Other names: c.4A>G, p.Ser2Gly (NM_001244438.2, NM_001369020.1); short protein forms S2G.
Identifiers: ClinVar variation 1945671 (VCV001945671.5), dbSNP rs2482310345, ClinGen allele CA365648982.